The following is an entry in ClinVar:

NM_005050.4(ABCD4):c.166G>A (p.Val56Met)

Gene: ABCD4 (ATP binding cassette subfamily D member 4; minus strand). Cytogenetic location: 14q24.3.
Variant type: single nucleotide variant.
Coding change: c.166G>A on transcript NM_005050.4 (MANE Select); coding-DNA position 166, G replaced by A.
Protein change: p.Val56Met; replaces valine 56 with methionine.
Molecular consequence: missense variant. On other transcripts: 5 prime UTR variant (10), non-coding transcript variant (6), intron variant (9).
Genome position (GRCh38, 1-based): chr14:74,299,667, C>T on the plus strand (G>A on the coding strand, the complement: ABCD4 is on the minus strand). VCF-style: chr14-74299667-C-T. GRCh37 (hg19) VCF-style: chr14-74766370-C-T.
Other names: c.166G>A, p.Val56Met (NM_001353591.2, NM_001353592.2, NM_020325.3); c.-96G>A (NM_001353593.2, NM_001353594.2); c.-244G>A (NM_001353595.2); c.-172G>A (NM_001353599.2, NM_020324.3); c.-524G>A (NM_001353602.2); c.-529G>A (NM_001353605.2, NM_001353609.2, NM_001353610.2); c.-384G>A (NM_001353608.2); c.-409-1598G>A (NM_001353607.2); and 6 more; short protein forms V56M.
Identifiers: ClinVar variation 1063323 (VCV001063323.9), dbSNP rs2083804334, ClinGen allele CA390380476.

ClinVar aggregate classification (germline): Uncertain significance (1 of 4 stars; one submission).

Conditions:
Methylmalonic acidemia with homocystinuria, type cblJ (MAHCJ). Also called: METHYLMALONIC ACIDURIA AND HOMOCYSTINURIA, cblJ TYPE. Identifiers: Orphanet 369955, MedGen C3553915, MONDO:0013925, OMIM 614857.

Allele frequency attached by ClinVar (database versions not stated): TOPMed below 0.00001; gnomAD 0.00001.
gnomAD v4.1: 2 of 1,612,316 alleles (0.00012%); highest among the groups gnomAD compares: Non-Finnish European, 0.000085%; no homozygotes.

Submission:

Labcorp Genetics (formerly Invitae), Labcorp
Classification: Uncertain significance for Methylmalonic acidemia with homocystinuria, type cblJ. Last evaluated: 2020-03-23. Review status: criteria provided, single submitter. Criteria: Invitae Variant Classification Sherloc (09022015). Collection method: clinical testing. Allele origin: germline.
Comment: This sequence change replaces valine with methionine at codon 56 of the ABCD4 protein (p.Val56Met). The valine residue is moderately conserved and there is a small physicochemical difference between valine and methionine. This variant is not present in population databases (ExAC no frequency). This variant has not been reported in the literature in individuals with ABCD4-related conditions. Algorithms developed to predict the effect of missense changes on protein structure and function are either unavailable or do not agree on the potential impact of this missense change (SIFT: "Tolerated"; PolyPhen-2: "Possibly Damaging"; Align-GVGD: "Class C0"). In summary, the available evidence is currently insufficient to determine the role of this variant in disease. Therefore, it has been classified as a Variant of Uncertain Significance.